The following is an entry in ClinVar:

ClinVar aggregate classification (germline): Benign (1 of 4 stars; one submission).

Allele frequency attached by ClinVar (database versions not stated): 1000 Genomes Project 0.03994; 1000 Genomes Project 30x 0.04232; TOPMed 0.07619; gnomAD 0.07862 and 0.08079; gnomAD exomes 0.10193.
gnomAD v4.1: 91,439 of 930,674 alleles (9.8%); highest among the groups gnomAD compares: Non-Finnish European, 12%; 5,430 homozygotes.

Submission:

GeneDx
Classification: Benign. Last evaluated: 2018-06-14. Review status: criteria provided, single submitter. Criteria: GeneDx Variant Classification (06012015). Collection method: clinical testing. Allele origin: germline. Affected: yes.
Comment: This variant is considered likely benign or benign based on one or more of the following criteria: it is a conservative change, it occurs at a poorly conserved position in the protein, it is predicted to be benign by multiple in silico algorithms, and/or has population frequency not consistent with disease.

NM_001204.7(BMPR2):c.1587-116A>G

Gene: BMPR2 (bone morphogenetic protein receptor type 2; plus strand). Cytogenetic location: 2q33.2.
Variant type: single nucleotide variant.
Coding change: c.1587-116A>G on transcript NM_001204.7 (MANE Select); 116 bases into the intron before coding-DNA position 1587, A replaced by G.
Molecular consequence: intron variant.
Genome position (GRCh38, 1-based): chr2:202,555,136, A>G. VCF-style: chr2-202555136-A-G. GRCh37 (hg19) VCF-style: chr2-203419859-A-G.
Identifiers: ClinVar variation 676056 (VCV000676056.1), dbSNP rs17199235, ClinGen allele CA11326222.